The following is an entry in ClinVar:

NM_002335.4(LRP5):c.1192C>T (p.Arg398Cys)

Gene: LRP5 (LDL receptor related protein 5; plus strand). Cytogenetic location: 11q13.2.
Variant type: single nucleotide variant.
Coding change: c.1192C>T on transcript NM_002335.4 (MANE Select); coding-DNA position 1192, C replaced by T.
Protein change: p.Arg398Cys; replaces arginine 398 with cysteine.
Molecular consequence: missense variant. On other transcripts: 5 prime UTR variant (1).
Genome position (GRCh38, 1-based): chr11:68,386,492, C>T. VCF-style: chr11-68386492-C-T. GRCh37 (hg19) VCF-style: chr11-68153960-C-T.
Other names: c.-574C>T (NM_001291902.2); short protein forms R398C.
Identifiers: ClinVar variation 1353053 (VCV001353053.12), dbSNP rs776512547, ClinGen allele CA6149265.

ClinVar aggregate classification (germline): Uncertain significance. Review status: criteria provided, multiple submitters, no conflicts (2 of 4 stars). 5 submissions from 5 submitters: Uncertain significance (5). Last evaluated 2025-08-11.

Conditions:
Exudative vitreoretinopathy 4 (EVR4). Identifiers: Orphanet 891, MedGen C1866176, MONDO:0011151, OMIM 601813.
Osteogenesis imperfecta (OI). Identifiers: Orphanet 666, MedGen C0029434, MeSH D010013, MONDO:0019019.
LRP5-related disorder. Also called: LRP5-related condition.

Allele frequency attached by ClinVar (database versions not stated): ExAC 0.00007; gnomAD 0.00007; gnomAD exomes 0.00007 and 0.00005; TOPMed 0.00008.
gnomAD v4.1: 87 of 1,614,000 alleles (0.0054%); highest among the groups gnomAD compares: South Asian, 0.012%; no homozygotes.

Submissions (5):

Labcorp Genetics (formerly Invitae), Labcorp
Classification: Uncertain significance. Last evaluated: 2025-08-11. Review status: criteria provided, single submitter. Criteria: Invitae Variant Classification Sherloc (09022015). Collection method: clinical testing. Allele origin: germline.
Comment: This sequence change replaces arginine, which is basic and polar, with cysteine, which is neutral and slightly polar, at codon 398 of the LRP5 protein (p.Arg398Cys). This variant is present in population databases (rs776512547, gnomAD 0.02%). This variant has not been reported in the literature in individuals affected with LRP5-related conditions. ClinVar contains an entry for this variant (Variation ID: 1353053). Invitae Evidence Modeling of protein sequence and biophysical properties (such as structural, functional, and spatial information, amino acid conservation, physicochemical variation, residue mobility, and thermodynamic stability) has been performed for this missense variant. However, the output from this modeling did not meet the statistical confidence thresholds required to predict the impact of this variant on LRP5 protein function. This variant disrupts the p.Arg398 amino acid residue in LRP5. Other variant(s) that disrupt this residue have been determined to be pathogenic (PMID: 30452590, 31237656). This suggests that this residue is clinically significant, and that variants that disrupt this residue are likely to be disease-causing. In summary, the available evidence is currently insufficient to determine the role of this variant in disease. Therefore, it has been classified as a Variant of Uncertain Significance.

PreventionGenetics, part of Exact Sciences
Classification: Uncertain significance for LRP5-related condition. Last evaluated: 2025-04-27. Review status: criteria provided, single submitter. Criteria: ACMG Guidelines, 2015. Collection method: clinical testing. Allele origin: germline.
Comment: The LRP5 c.1192C>T variant is predicted to result in the amino acid substitution p.Arg398Cys. To our knowledge, this variant has not been reported in the literature. An alternate substitution of this amino acid residue (p.Arg398His) has been reported in individuals with familial exudative vitreoretinopathy (see for example: Li et al. 2018. PubMed ID: 30452590). This variant is present in 0.016% of alleles in individuals of South Asian descent in gnomAD. At this time, the clinical significance of this variant is uncertain due to the absence of conclusive functional and genetic evidence.

Genomic Medicine Center of Excellence, King Faisal Specialist Hospital and Research Centre
Classification: Uncertain significance for Exudative vitreoretinopathy 4. Last evaluated: 2024-12-19. Review status: criteria provided, single submitter. Criteria: ACMG Guidelines, 2015. Collection method: clinical testing. Allele origin: germline.

Blueprint Genetics
Classification: Uncertain significance. Last evaluated: 2024-07-05. Review status: criteria provided, single submitter. Criteria: ACMG Guidelines, 2015. Collection method: clinical testing. Allele origin: germline.

Genome Diagnostics Laboratory, The Hospital for Sick Children
Classification: Uncertain significance for Osteogenesis imperfecta. Last evaluated: 2021-12-01. Review status: criteria provided, single submitter. Criteria: ACMG Guidelines, 2015. Collection method: clinical testing. Allele origin: germline.

Literature cited by the submitters: PubMed 30452590 (cited by Labcorp Genetics (formerly Invitae), Labcorp); PubMed 31237656 (cited by Labcorp Genetics (formerly Invitae), Labcorp).